The following is an entry in ClinVar:

ClinVar aggregate classification (germline): Conflicting classifications of pathogenicity. Review status: criteria provided, conflicting classifications (1 of 4 stars). 5 submissions from 5 submitters: Uncertain significance (1); Likely benign (3). 1 of the submissions does not count toward it. Last evaluated 2026-01-19.

Conditions:
INPP5E-related disorder. Also called: INPP5E-related condition.
Joubert syndrome. Also called: JOUBERT-BOLTSHAUSER SYNDROME; Familial aplasia of the vermis. Identifiers: Orphanet 475, MedGen C5979921, MONDO:0018772.
Joubert syndrome 1 (JBTS1). Also called: CEREBELLOPARENCHYMAL DISORDER IV; Cerebellooculorenal syndrome 1. Identifiers: MedGen C4551568, MONDO:0008944, OMIM 213300.

Allele frequency attached by ClinVar (database versions not stated): ExAC below 0.00001; gnomAD exomes 0.00009; 1000 Genomes Project 30x 0.00109; gnomAD 0.00126 and 0.00135; TOPMed 0.00138; 1000 Genomes Project 0.00140.
gnomAD v4.1: 316 of 1,465,714 alleles (0.022%); highest among the groups gnomAD compares: African/African-American, 0.41%; 1 homozygote.

Submissions (5):

Labcorp Genetics (formerly Invitae), Labcorp
Classification: Likely benign for Joubert syndrome. Last evaluated: 2026-01-19. Review status: criteria provided, single submitter. Criteria: Invitae Variant Classification Sherloc (09022015). Collection method: clinical testing. Allele origin: germline.

Blueprint Genetics
Classification: Likely benign. Last evaluated: 2024-11-25. Review status: criteria provided, single submitter. Criteria: ACMG Guidelines, 2015. Collection method: clinical testing. Allele origin: germline.

GeneDx
Classification: Likely benign. Last evaluated: 2021-05-28. Review status: criteria provided, single submitter. Criteria: GeneDx Variant Classification Process June 2021. Collection method: clinical testing. Allele origin: germline. Affected: yes.

Illumina Laboratory Services, Illumina
Classification: Uncertain significance for Joubert syndrome 1. Last evaluated: 2018-01-13. Review status: criteria provided, single submitter. Criteria: ICSL Variant Classification Criteria 13 December 2019. Collection method: clinical testing. Allele origin: germline.

PreventionGenetics, part of Exact Sciences
Classification: Likely benign for INPP5E-related condition. Last evaluated: 2021-07-01. Review status: no assertion criteria provided. Collection method: clinical testing. Allele origin: germline. Not counted in ClinVar's aggregate classification.
Comment: This variant is classified as likely benign based on ACMG/AMP sequence variant interpretation guidelines (Richards et al. 2015 PMID: 25741868, with internal and published modifications).

NM_019892.6(INPP5E):c.21T>C (p.Asn7=)

Gene: INPP5E (inositol polyphosphate-5-phosphatase E; minus strand). Cytogenetic location: 9q34.3.
Variant type: single nucleotide variant.
Coding change: c.21T>C on transcript NM_019892.6 (MANE Select); coding-DNA position 21, T replaced by C.
Protein change: p.Asn7=; no amino-acid change (asparagine 7 retained).
Molecular consequence: synonymous variant.
Genome position (GRCh38, 1-based): chr9:136,439,399, A>G on the plus strand (T>C on the coding strand, the complement: INPP5E is on the minus strand). VCF-style: chr9-136439399-A-G. GRCh37 (hg19) VCF-style: chr9-139333851-A-G.
Other names: c.21T>C, p.Asn7= (NM_001318502.2); c.21T>C (NM_019892.5).
Identifiers: ClinVar variation 365894 (VCV000365894.21), dbSNP rs571588033, ClinGen allele CA5337213.